The following is an entry in ClinVar:

ClinVar aggregate classification (germline): Likely pathogenic (1 of 4 stars; one submission).

Conditions:
Melanoma-pancreatic cancer syndrome. Identifiers: Orphanet 404560, MedGen C1838547, MONDO:0011713, OMIM 606719. Disease mechanism: loss of function.

Submission:

Myriad Genetics, Inc.
Classification: Likely pathogenic for Melanoma-pancreatic cancer syndrome. Last evaluated: 2025-01-22. Review status: criteria provided, single submitter. Criteria: Myriad Autosomal Dominant, Autosomal Recessive and X-Linked Classification Criteria (2023). Collection method: clinical testing. Allele origin: unknown.
Comment: This variant is considered likely pathogenic. This variant creates a frameshift predicted to result in premature protein truncation.

NM_000077.5(CDKN2A):c.220_221dup (p.Asp74fs)

Gene: CDKN2A (cyclin dependent kinase inhibitor 2A; minus strand). Cytogenetic location: 9p21.3.
Variant type: Duplication.
Coding change: c.220_221dup on transcript NM_000077.5; coding-DNA positions 220 to 221, 2 bases duplicated (GA; older notation c.220_221dupGA).
Protein change: p.Asp74fs; shifts the reading frame from aspartic acid 74.
Molecular consequence: frameshift variant (on NM_000077.6). On other transcripts: 3 prime UTR variant (1).
Genome position (GRCh38, 1-based): chr9:21,971,138-21,971,139, TC duplicated on the plus strand (GA on the coding strand, the reverse complement: CDKN2A is on the minus strand). VCF-style (leftmost placement, unchanged base first): chr9-21971137-G-GTC. GRCh37 (hg19) VCF-style: chr9-21971136-G-GTC.
Other names: c.220_221dup, p.Asp74Glufs (NM_000077.6); c.220_221dup, p.Asp74fs (NM_001195132.2); c.67_68dup, p.Asp23fs (NM_001363763.2); c.263_264dup, p.Pro89fs (NM_058195.4); c.*143_*144dup (NM_058197.5); short protein forms D23fs, D74fs, P89fs.
Identifiers: ClinVar variation 3904706 (VCV003904706.1).